The following is an entry in ClinVar:

ClinVar aggregate classification (germline): Pathogenic (1 of 4 stars; one submission).

Submission:

Labcorp Genetics (formerly Invitae), Labcorp
Classification: Pathogenic. Last evaluated: 2023-08-11. Review status: criteria provided, single submitter. Criteria: Invitae Variant Classification Sherloc (09022015). Collection method: clinical testing. Allele origin: germline.
Comment: For these reasons, this variant has been classified as Pathogenic. This variant has not been reported in the literature in individuals affected with ASPM-related conditions. This variant is not present in population databases (gnomAD no frequency). This sequence change creates a premature translational stop signal (p.Ile2231Thrfs*6) in the ASPM gene. It is expected to result in an absent or disrupted protein product. Loss-of-function variants in ASPM are known to be pathogenic (PMID: 19028728, 23611254).

Literature cited by the submitters: PubMed 19028728; PubMed 23611254.

NM_018136.5(ASPM):c.6692_6693del (p.Ile2231fs)

Gene: ASPM (assembly factor for spindle microtubules; minus strand). Cytogenetic location: 1q31.3.
Variant type: Deletion.
Coding change: c.6692_6693del on transcript NM_018136.5 (MANE Select); coding-DNA positions 6692 to 6693, 2 bases deleted (TA; older notation c.6692_6693delTA).
Protein change: p.Ile2231fs; shifts the reading frame from isoleucine 2231.
Molecular consequence: frameshift variant. On other transcripts: intron variant (1).
Genome position (GRCh38, 1-based): chr1:197,102,558-197,102,559, TA deleted on the plus strand (TA on the coding strand, the reverse complement: ASPM is on the minus strand); deleting any 2 consecutive bases within chr1:197,102,558-197,102,560 gives the same sequence; the c. name uses the placement nearest the transcript's 3' end. VCF-style (leftmost placement, unchanged base first): chr1-197102557-GTA-G. GRCh37 (hg19) VCF-style: chr1-197071687-GTA-G.
Other names: c.4066-6395_4066-6394del (NM_001206846.2); short protein forms I2231fs.
Identifiers: ClinVar variation 2809020 (VCV002809020.3), dbSNP rs2527296137, ClinGen allele CA2574124292.